The following is an entry in ClinVar:

ClinVar aggregate classification (germline): Uncertain significance (1 of 4 stars; one submission).

Conditions:
Cardiovascular phenotype. Identifiers: MedGen CN230736.

gnomAD v4.1: 1 of 1,613,932 alleles (0.000062%); highest among the groups gnomAD compares: Non-Finnish European, 0.000085%; no homozygotes.

Submission:

Ambry Genetics
Classification: Uncertain significance for Cardiovascular phenotype. Last evaluated: 2026-03-15. Review status: criteria provided, single submitter. Criteria: Ambry Variant Classification Scheme 2023. Collection method: clinical testing. Allele origin: germline.
Comment: The p.V25G variant (also known as c.74T>G), located in coding exon 2 of the TRPM4 gene, results from a T to G substitution at nucleotide position 74. The valine at codon 25 is replaced by glycine, an amino acid with dissimilar properties. This amino acid position is conserved. In addition, this alteration is predicted to be tolerated by in silico analysis. Based on the available evidence, the clinical significance of this variant remains unclear.

NM_017636.4(TRPM4):c.74T>G (p.Val25Gly)

Gene: TRPM4 (transient receptor potential cation channel subfamily M member 4; plus strand). Cytogenetic location: 19q13.33.
Variant type: single nucleotide variant.
Coding change: c.74T>G on transcript NM_017636.4 (MANE Select); coding-DNA position 74, T replaced by G.
Protein change: p.Val25Gly; replaces valine 25 with glycine.
Molecular consequence: missense variant. On other transcripts: 5 prime UTR variant (3).
Genome position (GRCh38, 1-based): chr19:49,158,241, T>G. VCF-style: chr19-49158241-T-G. GRCh37 (hg19) VCF-style: chr19-49661498-T-G.
Other names: c.74T>G, p.Val25Gly (NM_001195227.2, NM_001321281.2); c.-1299T>G (NM_001321282.2); c.-93T>G (NM_001321283.2); c.-256T>G (NM_001321285.2); short protein forms V25G.
Identifiers: ClinVar variation 4865967 (VCV004865967.1).